The following is an entry in ClinVar:

NM_006767.4(LZTR1):c.628C>A (p.Arg210=)

Gene: LZTR1 (leucine zipper like post translational regulator 1; plus strand). Cytogenetic location: 22q11.21.
Variant type: single nucleotide variant.
Coding change: c.628C>A on transcript NM_006767.4 (MANE Select); coding-DNA position 628, C replaced by A.
Protein change: p.Arg210=; no amino-acid change (arginine 210 retained).
Molecular consequence: synonymous variant.
Genome position (GRCh38, 1-based): chr22:20,989,659, C>A. VCF-style: chr22-20989659-C-A. GRCh37 (hg19) VCF-style: chr22-21343948-C-A.
Identifiers: ClinVar variation 977694 (VCV000977694.6), dbSNP rs150419186, ClinGen allele CA322324992.

ClinVar aggregate classification (germline): Likely benign. Review status: criteria provided, multiple submitters, no conflicts (2 of 4 stars). 3 submissions from 3 submitters: Likely benign (3). Last evaluated 2024-08-05.

Conditions:
Hereditary cancer-predisposing syndrome. Also called: Neoplastic Syndromes, Hereditary; Hereditary Cancer Syndrome; Tumor predisposition; Hereditary neoplastic syndrome. Identifiers: Orphanet 140162, MedGen C0027672, MeSH D009386, MONDO:0015356.
Cardiovascular phenotype. Identifiers: MedGen CN230736.

Allele frequency attached by ClinVar (database versions not stated): TOPMed 0.00001.
gnomAD v4.1: 5 of 1,613,000 alleles (0.00031%); highest among the groups gnomAD compares: Non-Finnish European, 0.00034%; no homozygotes.

Submissions (3):

Labcorp Genetics (formerly Invitae), Labcorp
Classification: Likely benign. Last evaluated: 2024-08-05. Review status: criteria provided, single submitter. Criteria: Invitae Variant Classification Sherloc (09022015). Collection method: clinical testing. Allele origin: germline.

Women's Health and Genetics/Laboratory Corporation of America, LabCorp
Classification: Likely benign. Last evaluated: 2020-08-17. Review status: criteria provided, single submitter. Criteria: LabCorp Variant Classification Summary - May 2015. Collection method: clinical testing. Allele origin: germline.
Comment: Variant summary: LZTR1 c.628C>A alters a conserved nucleotide resulting in a synonymous change. 4/4 computational tools predict no significant impact on normal splicing. However, these predictions have yet to be confirmed by functional studies. The variant allele was found at a frequency of 4e-06 in 250190 control chromosomes (gnomAD). The available data on variant occurrences in the general population are insufficient to allow any conclusion about variant significance. To our knowledge, no occurrence of c.628C>A in individuals affected with Noonan Syndrome and no experimental evidence demonstrating its impact on protein function have been reported. No clinical diagnostic laboratories have submitted clinical-significance assessments for this variant to ClinVar after 2014. Based on the evidence outlined above, the variant was classified as likely benign.

Ambry Genetics
Classification: Likely benign for Cardiovascular phenotype; Hereditary cancer-predisposing syndrome. Last evaluated: 2020-01-02. Review status: criteria provided, single submitter. Criteria: Ambry Variant Classification Scheme 2023. Collection method: clinical testing. Allele origin: germline.